The following is an entry in ClinVar:

ClinVar aggregate classification (germline): Uncertain significance (1 of 4 stars; one submission).

Submission:

Labcorp Genetics (formerly Invitae), Labcorp
Classification: Uncertain significance. Last evaluated: 2023-06-18. Review status: criteria provided, single submitter. Criteria: Invitae Variant Classification Sherloc (09022015). Collection method: clinical testing. Allele origin: germline.
Comment: In summary, the available evidence is currently insufficient to determine the role of this variant in disease. Therefore, it has been classified as a Variant of Uncertain Significance. An algorithm developed to predict the effect of missense changes on protein structure and function (PolyPhen-2) suggests that this variant is likely to be tolerated. This variant has not been reported in the literature in individuals affected with MICAL1-related conditions. This variant is not present in population databases (gnomAD no frequency). This sequence change replaces threonine, which is neutral and polar, with asparagine, which is neutral and polar, at codon 588 of the MICAL1 protein (p.Thr588Asn).

NM_022765.4(MICAL1):c.1706C>A (p.Thr569Asn)

Gene: MICAL1 (microtubule associated monooxygenase, calponin and LIM domain containing 1; minus strand). Cytogenetic location: 6q21.
Variant type: single nucleotide variant.
Coding change: c.1706C>A on transcript NM_022765.4 (MANE Select); coding-DNA position 1706, C replaced by A.
Protein change: p.Thr569Asn; replaces threonine 569 with asparagine.
Molecular consequence: missense variant.
Genome position (GRCh38, 1-based): chr6:109,448,352, G>T on the plus strand (C>A on the coding strand, the complement: MICAL1 is on the minus strand). VCF-style: chr6-109448352-G-T. GRCh37 (hg19) VCF-style: chr6-109769555-G-T.
Other names: c.1448C>A, p.Thr483Asn (NM_001159291.2); c.1763C>A, p.Thr588Asn (NM_001286613.2); short protein forms T569N, T483N, T588N.
Identifiers: ClinVar variation 2718765 (VCV002718765.3), dbSNP rs2482787876, ClinGen allele CA365227692.